The following is an entry in ClinVar:

NM_022716.4(PRRX1):c.600C>A (p.Ser200Arg)

Gene: PRRX1 (paired related homeobox 1; plus strand). Cytogenetic location: 1q24.2.
Variant type: single nucleotide variant.
Coding change: c.600C>A on transcript NM_022716.4 (MANE Select); coding-DNA position 600, C replaced by A.
Protein change: p.Ser200Arg; replaces serine 200 with arginine.
Molecular consequence: missense variant. On other transcripts: 3 prime UTR variant (1).
Genome position (GRCh38, 1-based): chr1:170,736,048, C>A. VCF-style: chr1-170736048-C-A. GRCh37 (hg19) VCF-style: chr1-170705189-C-A.
Other names: c.*18C>A (NM_006902.5); short protein forms S200R.
Identifiers: ClinVar variation 3034557 (VCV003034557.2), dbSNP rs151333816, ClinGen allele CA1239604.

ClinVar aggregate classification (germline): Likely benign (0 of 4 stars; one submission).

Conditions:
PRRX1-related disorder. Also called: PRRX1-related condition.

Allele frequency attached by ClinVar (database versions not stated): 1000 Genomes Project 30x 0.00016; ESP Exome Variant Server 0.00023.

Submission:

PreventionGenetics, part of Exact Sciences
Classification: Likely benign for PRRX1-related condition. Last evaluated: 2019-08-13. Review status: no assertion criteria provided. Collection method: clinical testing. Allele origin: germline.
Comment: This variant is classified as likely benign based on ACMG/AMP sequence variant interpretation guidelines (Richards et al. 2015 PMID: 25741868, with internal and published modifications).